The following is an entry in ClinVar:

NM_001206927.2(DNAH8):c.7882A>G (p.Lys2628Glu)

Gene: DNAH8 (dynein axonemal heavy chain 8; plus strand). Cytogenetic location: 6p21.2.
Variant type: single nucleotide variant.
Coding change: c.7882A>G on transcript NM_001206927.2 (MANE Select); coding-DNA position 7882, A replaced by G.
Protein change: p.Lys2628Glu; replaces lysine 2628 with glutamic acid.
Molecular consequence: missense variant.
Genome position (GRCh38, 1-based): chr6:38,882,933, A>G. VCF-style: chr6-38882933-A-G. GRCh37 (hg19) VCF-style: chr6-38850709-A-G.
Other names: c.7231A>G, p.Lys2411Glu (NM_001371.4); short protein forms K2411E, K2628E.
Identifiers: ClinVar variation 3625331 (VCV003625331.1).

ClinVar aggregate classification (germline): Uncertain significance (1 of 4 stars; one submission).

Conditions:
Primary ciliary dyskinesia. Also called: Ciliary dyskinesia. Identifiers: Orphanet 244, MedGen C0008780, MONDO:0016575, HP:0012265.

gnomAD v4.1: 2 of 1,593,968 alleles (0.00013%); highest among the groups gnomAD compares: Non-Finnish European, 0.00017%; no homozygotes.

Submission:

Labcorp Genetics (formerly Invitae), Labcorp
Classification: Uncertain significance for Primary ciliary dyskinesia. Last evaluated: 2024-12-26. Review status: criteria provided, single submitter. Criteria: Invitae Variant Classification Sherloc (09022015). Collection method: clinical testing. Allele origin: germline.
Comment: This sequence change replaces lysine, which is basic and polar, with glutamic acid, which is acidic and polar, at codon 2628 of the DNAH8 protein (p.Lys2628Glu). The frequency data for this variant in the population databases is considered unreliable, as metrics indicate poor data quality at this position in the gnomAD database. This variant has not been reported in the literature in individuals affected with DNAH8-related conditions. Invitae Evidence Modeling of protein sequence and biophysical properties (such as structural, functional, and spatial information, amino acid conservation, physicochemical variation, residue mobility, and thermodynamic stability) indicates that this missense variant is not expected to disrupt DNAH8 protein function with a negative predictive value of 80%. In summary, the available evidence is currently insufficient to determine the role of this variant in disease. Therefore, it has been classified as a Variant of Uncertain Significance.